The following is an entry in ClinVar:

NM_001367561.1(DOCK7):c.2949+2T>C

Gene: DOCK7 (dedicator of cytokinesis 7; minus strand). Cytogenetic location: 1p31.3.
Variant type: single nucleotide variant.
Coding change: c.2949+2T>C on transcript NM_001367561.1 (MANE Select); the canonical splice donor site of the intron after coding-DNA position 2949, T replaced by C.
Molecular consequence: splice donor variant.
Genome position (GRCh38, 1-based): chr1:62,543,654, A>G on the plus strand (T>C on the coding strand, the complement: DOCK7 is on the minus strand). VCF-style: chr1-62543654-A-G. GRCh37 (hg19) VCF-style: chr1-63009325-A-G.
Other names: c.2856+2T>C (NM_001272001.2, NM_001272000.2, NM_033407.4); c.2949+2T>C (NM_001271999.2, NM_001330614.2).
Identifiers: ClinVar variation 2704025 (VCV002704025.3), dbSNP rs1645607563, ClinGen allele CA340613957.

ClinVar aggregate classification (germline): Likely pathogenic (1 of 4 stars; one submission).

Conditions:
Developmental and epileptic encephalopathy, 23 (DEE23). Also called: Epileptic encephalopathy, early infantile, 23. Identifiers: Orphanet 411986, MedGen C4014492, MONDO:0014371, OMIM 615859.

Allele frequency attached by ClinVar (database versions not stated): TOPMed 0.00001.

Submission:

Labcorp Genetics (formerly Invitae), Labcorp
Classification: Likely pathogenic for Developmental and epileptic encephalopathy, 23. Last evaluated: 2024-12-22. Review status: criteria provided, single submitter. Criteria: Invitae Variant Classification Sherloc (09022015). Collection method: clinical testing. Allele origin: germline.
Comment: This sequence change affects a donor splice site in intron 24 of the DOCK7 gene. It is expected to disrupt RNA splicing. Variants that disrupt the donor or acceptor splice site typically lead to a loss of protein function (PMID: 16199547), and loss-of-function variants in DOCK7 are known to be pathogenic (PMID: 24814191). This variant is not present in population databases (gnomAD no frequency). This variant has not been reported in the literature in individuals affected with DOCK7-related conditions. ClinVar contains an entry for this variant (Variation ID: 2704025). Algorithms developed to predict the effect of sequence changes on RNA splicing suggest that this variant may disrupt the consensus splice site. In summary, the currently available evidence indicates that the variant is pathogenic, but additional data are needed to prove that conclusively. Therefore, this variant has been classified as Likely Pathogenic.

Literature cited by the submitters: PubMed 16199547; PubMed 24814191.